The following is an entry in ClinVar:

NM_000051.4(ATM):c.6021_6022dup (p.Ile2008fs)

Genes: ATM (ATM serine/threonine kinase; plus strand), C11orf65 (chromosome 11 open reading frame 65; minus strand). Cytogenetic location: 11q22.3.
Variant type: Duplication.
Coding change: c.6021_6022dup on transcript NM_000051.4 (MANE Select); coding-DNA positions 6021 to 6022, 2 bases duplicated (AA; older notation c.6021_6022dupAA).
Protein change: p.Ile2008fs; shifts the reading frame from isoleucine 2008.
Molecular consequence: frameshift variant. On other transcripts: intron variant (2).
Genome position (GRCh38, 1-based): chr11:108,315,837-108,315,838, AA duplicated; duplicating any 2 consecutive bases within chr11:108,315,836-108,315,838 gives the same sequence; the c. name uses the placement nearest the transcript's 3' end. VCF-style (leftmost placement, unchanged base first): chr11-108315835-G-GAA. GRCh37 (hg19) VCF-style: chr11-108186562-G-GAA.
Other names: c.6021_6022dup, p.Ile2008fs (NM_001351834.2); c.641-6766_641-6765dup (NM_001330368.2); c.*39-6766_*39-6765dup (NM_001351110.2); short protein forms I2008fs.
Identifiers: ClinVar variation 2583822 (VCV002583822.1), dbSNP rs2547088106, ClinGen allele CA2582342460.
Genomic context (GRCh38, chr11:108,315,835, plus strand): 5'-GACCGATTTTTTTTCCTTCTTCAATTTTTGTTGTTTCCATGTTTTCAGGATCTTCTCTTA[G>GAA]AAATCTACAGAAGTATAGGGGAGCCAGATAGTTTGTATGGCTGTGGTGGAGGGAAGATGT-3'

ClinVar aggregate classification (germline): Pathogenic (1 of 4 stars; one submission).

Conditions:
Familial cancer of breast. Also called: BREAST CANCER, FAMILIAL; Hereditary breast cancer; hereditary breast carcinoma. Identifiers: Orphanet 227535, MedGen C0346153, MONDO:0016419, OMIM 114480. Disease mechanism: loss of function.

Submission:

Myriad Genetics, Inc.
Classification: Pathogenic for Familial cancer of breast. Last evaluated: 2023-05-12. Review status: criteria provided, single submitter. Criteria: Myriad Autosomal Dominant, Autosomal Recessive and X-Linked Classification Criteria (2023). Collection method: clinical testing. Allele origin: unknown.
Comment: This variant is considered pathogenic. This variant creates a frameshift predicted to result in premature protein truncation.